The following is an entry in ClinVar:

ClinVar aggregate classification (germline): Uncertain significance (1 of 4 stars; one submission).

Conditions:
Hereditary cancer-predisposing syndrome. Also called: Neoplastic Syndromes, Hereditary; Tumor predisposition; Hereditary neoplastic syndrome; Hereditary Cancer Syndrome. Identifiers: Orphanet 140162, MedGen C0027672, MeSH D009386, MONDO:0015356.

Submission:

Ambry Genetics
Classification: Uncertain significance for Hereditary cancer-predisposing syndrome. Last evaluated: 2024-02-29. Review status: criteria provided, single submitter. Criteria: Ambry Variant Classification Scheme 2023. Collection method: clinical testing. Allele origin: germline.
Comment: The p.E590G variant (also known as c.1769A>G), located in coding exon 10 of the ATM gene, results from an A to G substitution at nucleotide position 1769. The glutamic acid at codon 590 is replaced by glycine, an amino acid with similar properties. This amino acid position is conserved. In addition, the in silico prediction for this alteration is inconclusive. Based on the available evidence, the clinical significance of this alteration remains unclear.

NM_000051.4(ATM):c.1769A>G (p.Glu590Gly)

Gene: ATM (ATM serine/threonine kinase; plus strand). Cytogenetic location: 11q22.3.
Variant type: single nucleotide variant.
Coding change: c.1769A>G on transcript NM_000051.4 (MANE Select); coding-DNA position 1769, A replaced by G.
Protein change: p.Glu590Gly; replaces glutamic acid 590 with glycine.
Molecular consequence: missense variant.
Genome position (GRCh38, 1-based): chr11:108,251,998, A>G. VCF-style: chr11-108251998-A-G. GRCh37 (hg19) VCF-style: chr11-108122725-A-G.
Other names: c.1769A>G, p.Glu590Gly (NM_001351834.2); short protein forms E590G.
Identifiers: ClinVar variation 3232190 (VCV003232190.1), dbSNP rs2135343744, ClinGen allele CA382535452.